The following is an entry in ClinVar:

ClinVar aggregate classification (germline): Uncertain significance (1 of 4 stars; one submission).

gnomAD v4.1: 1 of 1,614,104 alleles (0.000062%); highest among the groups gnomAD compares: Non-Finnish European, 0.000085%; no homozygotes.

Submission:

Women's Health and Genetics/Laboratory Corporation of America, LabCorp
Classification: Uncertain significance. Last evaluated: 2024-05-29. Review status: criteria provided, single submitter. Criteria: LabCorp Variant Classification Summary - May 2015. Collection method: clinical testing. Allele origin: germline.
Comment: Variant summary: COL27A1 c.3178G>A (p.Gly1060Arg) results in a non-conservative amino acid change in the encoded protein sequence. Five of five in-silico tools predict a damaging effect of the variant on protein function. The variant was absent in 249782 control chromosomes (gnomAD). The available data on variant occurrences in the general population are insufficient to allow any conclusion about variant significance. To our knowledge, no occurrence of c.3178G>A in individuals affected with Steel syndrome and no experimental evidence demonstrating its impact on protein function have been reported. No submitters have cited clinical-significance assessments for this variant to ClinVar. Based on the evidence outlined above, the variant was classified as uncertain significance.

NM_032888.4(COL27A1):c.3178G>A (p.Gly1060Arg)

Gene: COL27A1 (collagen type XXVII alpha 1 chain; plus strand). Cytogenetic location: 9q32.
Variant type: single nucleotide variant.
Coding change: c.3178G>A on transcript NM_032888.4 (MANE Select); coding-DNA position 3178, G replaced by A.
Protein change: p.Gly1060Arg; replaces glycine 1060 with arginine.
Molecular consequence: missense variant.
Genome position (GRCh38, 1-based): chr9:114,258,577, G>A. VCF-style: chr9-114258577-G-A. GRCh37 (hg19) VCF-style: chr9-117020857-G-A.
Other names: short protein forms G1060R.
Identifiers: ClinVar variation 3336234 (VCV003336234.1).